The following is an entry in ClinVar:

ClinVar aggregate classification (germline): Uncertain significance. Review status: criteria provided, multiple submitters, no conflicts (2 of 4 stars). 2 submissions from 2 submitters: Uncertain significance (2). Last evaluated 2025-07-15.

Conditions:
Stüve-Wiedemann syndrome 1. Also called: STUVE-WIEDEMANN/SCHWARTZ-JAMPEL TYPE 2 SYNDROME. Identifiers: Orphanet 3206, MedGen C5676888, MONDO:0800043, OMIM 601559.
Congenital anomaly of kidney and urinary tract. Also called: Congenital anomalies of the kidney and urinary tract; Congenital anomalies of kidney and urinary tract. Identifiers: Orphanet 93545, MedGen C1968949, MeSH C566906, MONDO:0019719.

gnomAD v4.1: 1 of 1,613,992 alleles (0.000062%); no homozygotes.

Submissions (2):

Victorian Clinical Genetics Services, Murdoch Childrens Research Institute
Classification: Uncertain significance for Congenital anomaly of kidney and urinary tract. Last evaluated: 2025-07-15. Review status: criteria provided, single submitter. Criteria: ACMG Guidelines, 2015. Collection method: clinical testing. Allele origin: germline. Affected: yes.
Comment: This variant is classified as VUS-3C. Evidence in support of pathogenic classification: Variant is present in gnomAD <0.01 (v4: 1 heterozygote(s), 0 homozygote(s)). Evidence in support of benign classification: Missense variant predicted to be tolerated by in silico tool(s) or not conserved in placental mammals with a minor amino acid change. Additional information: Variant is predicted to result in a missense amino acid change from Asn to Ser; This variant is heterozygous; This gene is associated with both recessive and dominant disease. Recessive inheritance is associated with Stuve-Wiedemann syndrome/Schwartz-Jampel type 2 syndrome (MIM#601559). There have also been rare reports of dominant inheritance associated with congenital anomalies of the kidneys and urinary tract (CAKUT) (MONDO:0019719), LIFR-related. (PMID:28334964); Alternative amino acid change(s) at the same position are present in gnomAD (v4: 22 heterozygote(s), 0 homozygote(s)); Previous evidence of pathogenicity for this variant is inconclusive. This variant has been classified as a VUS by a clinical laboratory (ClinVar); No published evidence of segregation with disease has been identified for this variant; No published functional evidence has been identified for this variant; Another missense variant comparable to the one identified in this case has inconclusive previous evidence for pathogenicity. p.(Asn303Asp) has been classified a VUS by a clinical laboratory (ClinVar); Variant is located in the annotated LIF-R_Ig-like domain at a glycosylation site (DECIPHER); Loss of function is a known mechanism of disease in this gene and is associated with Stuve-Wiedemann syndrome/Schwartz-Jampel type 2 syndrome (MIM#601559), and suggested to be associated with congenital anomaly of kidney and urinary tract (MONDO:0019719), LIFR-related (PMID:28334964); Parental origin of the variant is unresolved.

Fulgent Genetics
Classification: Uncertain significance for Stüve-Wiedemann syndrome 1. Last evaluated: 2024-02-21. Review status: criteria provided, single submitter. Criteria: ACMG Guidelines, 2015. Collection method: clinical testing. Allele origin: germline.

Literature cited by the submitters: PubMed 28334964 (cited by Victorian Clinical Genetics Services, Murdoch Childrens Research Institute).

NM_001127671.2(LIFR):c.908A>G (p.Asn303Ser)

Gene: LIFR (LIF receptor subunit alpha; minus strand). Cytogenetic location: 5p13.1.
Variant type: single nucleotide variant.
Coding change: c.908A>G on transcript NM_001127671.2 (MANE Select); coding-DNA position 908, A replaced by G.
Protein change: p.Asn303Ser; replaces asparagine 303 with serine.
Molecular consequence: missense variant.
Genome position (GRCh38, 1-based): chr5:38,510,547, T>C on the plus strand (A>G on the coding strand, the complement: LIFR is on the minus strand). VCF-style: chr5-38510547-T-C. GRCh37 (hg19) VCF-style: chr5-38510649-T-C.
Other names: c.908A>G, p.Asn303Ser (NM_001364297.2, NM_001364298.2, NM_002310.6); short protein forms N303S.
Identifiers: ClinVar variation 3592665 (VCV003592665.3).